The following is an entry in ClinVar:

NM_032968.5(PCDH11X):c.3414C>A (p.Asn1138Lys)

Gene: PCDH11X (protocadherin 11 X-linked; plus strand). Cytogenetic location: Xq21.31.
Variant type: single nucleotide variant.
Coding change: c.3414C>A on transcript NM_032968.5 (MANE Select); coding-DNA position 3414, C replaced by A.
Protein change: p.Asn1138Lys; replaces asparagine 1138 with lysine.
Molecular consequence: missense variant. On other transcripts: 3 prime UTR variant (1).
Genome position (GRCh38, 1-based): chrX:92,618,310, C>A. VCF-style: chrX-92618310-C-A. GRCh37 (hg19) VCF-style: chrX-91873309-C-A.
Other names: c.3390C>A, p.Asn1130Lys (NM_001168360.1); c.*53C>A (NM_001168361.1); c.3303C>A, p.Asn1101Lys (NM_001168362.1); c.3360C>A, p.Asn1120Lys (NM_001168363.1); c.3384C>A, p.Asn1128Lys (NM_032969.4); short protein forms N1101K, N1120K, N1128K, N1130K, N1138K.
Identifiers: ClinVar variation 4845552 (VCV004845552.1).

ClinVar aggregate classification (germline): Uncertain significance (1 of 4 stars; one submission).

gnomAD v4.1: 1 of 1,208,752 alleles (0.000083%); highest among the groups gnomAD compares: African/African-American, 0.0017%; no homozygotes.

Submission:

Greenwood Genetic Center Diagnostic Laboratories, Greenwood Genetic Center
Classification: Uncertain significance. Last evaluated: 2025-12-22. Review status: criteria provided, single submitter. Criteria: ACMG Guidelines, 2015. Collection method: clinical testing. Allele origin: germline. Affected: yes.
Comment: Gene of Uncertain Significance